The following is an entry in ClinVar:

ClinVar aggregate classification (germline): Uncertain significance (1 of 4 stars; one submission).

Conditions:
Neurofibromatosis, type 1 (NF1). Also called: VON RECKLINGHAUSEN DISEASE; Peripheral type neurofibromatosis; NEUROFIBROMATOSIS, TYPE I, SOMATIC; Neurofibromatosis, type I. Identifiers: Orphanet 636, MedGen C0027831, MONDO:0018975, OMIM 162200. Disease mechanism: loss of function.

Submission:

Labcorp Genetics (formerly Invitae), Labcorp
Classification: Uncertain significance for Neurofibromatosis, type 1. Last evaluated: 2024-07-03. Review status: criteria provided, single submitter. Criteria: Invitae Variant Classification Sherloc (09022015). Collection method: clinical testing. Allele origin: germline.
Comment: This sequence change replaces serine, which is neutral and polar, with proline, which is neutral and non-polar, at codon 2381 of the NF1 protein (p.Ser2381Pro). This variant is not present in population databases (gnomAD no frequency). This missense change has been observed in individual(s) with autism and/or developmental disorders (PMID: 33057194, 35982159). Advanced modeling of protein sequence and biophysical properties (such as structural, functional, and spatial information, amino acid conservation, physicochemical variation, residue mobility, and thermodynamic stability) performed at Invitae indicates that this missense variant is expected to disrupt NF1 protein function with a positive predictive value of 80%. In summary, the available evidence is currently insufficient to determine the role of this variant in disease. Therefore, it has been classified as a Variant of Uncertain Significance.

Literature cited by the submitters: PubMed 33057194; PubMed 35982159.

NM_001042492.3(NF1):c.7204T>C (p.Ser2402Pro)

Gene: NF1 (neurofibromin 1; plus strand). Cytogenetic location: 17q11.2.
Variant type: single nucleotide variant.
Coding change: c.7204T>C on transcript NM_001042492.3 (MANE Select); coding-DNA position 7204, T replaced by C.
Protein change: p.Ser2402Pro; replaces serine 2402 with proline.
Molecular consequence: missense variant.
Genome position (GRCh38, 1-based): chr17:31,349,134, T>C. VCF-style: chr17-31349134-T-C. GRCh37 (hg19) VCF-style: chr17-29676152-T-C.
Other names: c.7141T>C, p.Ser2381Pro (NM_000267.4); short protein forms S2402P, S2381P.
Identifiers: ClinVar variation 3634596 (VCV003634596.2).